The following is an entry in ClinVar:

NM_000297.4(PKD2):c.2240+1G>C

Gene: PKD2 (polycystin 2, transient receptor potential cation channel; plus strand). Cytogenetic location: 4q22.1.
Variant type: single nucleotide variant.
Coding change: c.2240+1G>C on transcript NM_000297.4 (MANE Select); the canonical splice donor site of the intron after coding-DNA position 2240, G replaced by C.
Molecular consequence: splice donor variant.
Genome position (GRCh38, 1-based): chr4:88,065,496, G>C. VCF-style: chr4-88065496-G-C. GRCh37 (hg19) VCF-style: chr4-88986648-G-C.
Identifiers: ClinVar variation 872745 (VCV000872745.43), dbSNP rs1553927783, ClinGen allele CA357624781.
Genomic context (GRCh38, chr4:88,065,496, plus strand): 5'-GAGTCTGCGGCAAGGAGGAGGCAAGTTAAACTTTGACGAACTTCGACAAGATCTCAAAGG[G>C]TGAGAATCATGCTTCCTGAGGTTCTGAAAAATTCCTGCTTCTAAAGATAAATTCCTGGTG-3'

ClinVar aggregate classification (germline): Pathogenic/Likely pathogenic. Review status: criteria provided, multiple submitters, no conflicts (2 of 4 stars). 3 submissions from 3 submitters: Pathogenic (1); Likely pathogenic (1). 1 of the submissions does not count toward it. Last evaluated 2025-01-20.

Conditions:
Polycystic kidney disease 2 (PKD2). Also called: Polycystic Kidney Disease 2, Autosomal Dominant; POLYCYSTIC KIDNEY DISEASE 2 WITH OR WITHOUT POLYCYSTIC LIVER DISEASE; POLYCYSTIC KIDNEY DISEASE, ADULT, TYPE II. Identifiers: MedGen C2751306, MONDO:0013131, OMIM 613095.
Polycystic kidney disease. Also called: Kidney, Polycystic; Polycystic kidney dysplasia. Identifiers: MedGen C0022680, MeSH D007690, MONDO:0020642, HP:0000113.

Allele frequency attached by ClinVar (database versions not stated): gnomAD exomes below 0.00001.
gnomAD v4.1: 1 of 1,613,650 alleles (0.000062%); highest among the groups gnomAD compares: Non-Finnish European, 0.000085%; no homozygotes.

Submissions (3):

Department of Human Genetics, Hannover Medical School
Classification: Pathogenic for Polycystic kidney disease 2. Last evaluated: 2025-01-20. Review status: criteria provided, single submitter. Criteria: ACMG Guidelines, 2015. Collection method: clinical testing. Allele origin: germline. Affected: yes.
Comment: PVS1, PM2_Supporting, PM5, PP3

CeGaT Center for Human Genetics Tuebingen
Classification: Likely pathogenic. Last evaluated: 2019-11-01. Review status: criteria provided, single submitter. Criteria: CeGaT Center For Human Genetics Tuebingen Variant Classification Criteria Version 2. Collection method: clinical testing. Allele origin: germline. Affected: yes. Observed: 1 variant allele.

Department of Pathology and Laboratory Medicine, Sinai Health System
Classification: Pathogenic for Polycystic Kidney disease. Review status: no assertion criteria provided. Collection method: clinical testing. Allele origin: unknown. Affected: yes. Study: The Canadian Open Genetics Repository (COGR). Not counted in ClinVar's aggregate classification.
Comment: The PKD2 c.2240+1G>C variant was identified in the literature in 1 of 440 proband chromosomes (freq: 0.002) from individuals or families with ADPKD (Hwang 2016) for which it was classified as pathogenic. This variant was not identified in dbSNP, Clinvitae, ClinVar, GeneInsight-COGR, the ADPKD Mutation Database, PKD2-LOVD, the 1000 Genomes Project, the NHLBI GO Exome Sequencing Project and the Exome Aggregation Consortium database (August 8, 2016). In the ADPKD database and PKD2 (LOVD) databases alternate substitutions at the c.2240+1 position are classified as pathogenic. The c.2240+1G>C variant is predicted to cause abnormal splicing because the nucleotide substitution occurs in the invariant region of the splice consensus sequence. In addition, 5 of 5 in silico or computational prediction software programs (SpliceSiteFinder, MaxEntScan, NNSPLICE, GeneSplicer, HumanSpliceFinder) predict the abolishment of the 5â€šÃ„Ã´ splice site. In summary, based on the above information, this variant meets our laboratoryâ€šÃ„Ã´s criteria to be classified as pathogenic.